The following is an entry in ClinVar:

ClinVar aggregate classification (germline): Uncertain significance (1 of 4 stars; one submission).

Conditions:
Ataxia-telangiectasia syndrome (AT). Also called: LOUIS-BAR SYNDROME; Ataxia-telangiectasia; Cerebello-oculocutaneous telangiectasia; Immunodeficiency with ataxia telangiectasia; ATAXIA-TELANGIECTASIA, COMPLEMENTATION GROUP A; ATAXIA-TELANGIECTASIA, FRESNO VARIANT. Identifiers: Orphanet 100, MedGen C0004135, MONDO:0008840, OMIM 208900.

Submission:

Labcorp Genetics (formerly Invitae), Labcorp
Classification: Uncertain significance for Ataxia-telangiectasia syndrome. Last evaluated: 2025-04-10. Review status: criteria provided, single submitter. Criteria: Invitae Variant Classification Sherloc (09022015). Collection method: clinical testing. Allele origin: germline.
Comment: This sequence change replaces glutamic acid, which is acidic and polar, with aspartic acid, which is acidic and polar, at codon 1892 of the ATM protein (p.Glu1892Asp). This variant is not present in population databases (gnomAD no frequency). This variant has not been reported in the literature in individuals affected with ATM-related conditions. ClinVar contains an entry for this variant (Variation ID: 1494842). An algorithm developed to predict the effect of missense changes on protein structure and function outputs the following: PolyPhen-2: "Benign". The aspartic acid amino acid residue is found in multiple mammalian species, which suggests that this missense change does not adversely affect protein function. In summary, the available evidence is currently insufficient to determine the role of this variant in disease. Therefore, it has been classified as a Variant of Uncertain Significance.

NM_000051.4(ATM):c.5676G>T (p.Glu1892Asp)

Gene: ATM (ATM serine/threonine kinase; plus strand). Cytogenetic location: 11q22.3.
Variant type: single nucleotide variant.
Coding change: c.5676G>T on transcript NM_000051.4 (MANE Select); coding-DNA position 5676, G replaced by T.
Protein change: p.Glu1892Asp; replaces glutamic acid 1892 with aspartic acid.
Molecular consequence: missense variant.
Genome position (GRCh38, 1-based): chr11:108,307,898, G>T. VCF-style: chr11-108307898-G-T. GRCh37 (hg19) VCF-style: chr11-108178625-G-T.
Other names: c.5676G>T, p.Glu1892Asp (NM_001351834.2); short protein forms E1892D.
Identifiers: ClinVar variation 1494842 (VCV001494842.8), dbSNP rs2135975691, ClinGen allele CA382547722.